The following is an entry in ClinVar:

ClinVar aggregate classification (germline): Uncertain significance (1 of 4 stars; one submission).

Submission:

Labcorp Genetics (formerly Invitae), Labcorp
Classification: Uncertain significance. Last evaluated: 2024-02-16. Review status: criteria provided, single submitter. Criteria: Invitae Variant Classification Sherloc (09022015). Collection method: clinical testing. Allele origin: germline.
Comment: This sequence change replaces glutamine, which is neutral and polar, with arginine, which is basic and polar, at codon 155 of the BEST1 protein (p.Gln155Arg). This variant is not present in population databases (gnomAD no frequency). This variant has not been reported in the literature in individuals affected with BEST1-related conditions. Advanced modeling of protein sequence and biophysical properties (such as structural, functional, and spatial information, amino acid conservation, physicochemical variation, residue mobility, and thermodynamic stability) performed at Invitae indicates that this missense variant is expected to disrupt BEST1 protein function with a positive predictive value of 80%. In summary, the available evidence is currently insufficient to determine the role of this variant in disease. Therefore, it has been classified as a Variant of Uncertain Significance.

NM_004183.4(BEST1):c.464A>G (p.Gln155Arg)

Gene: BEST1 (bestrophin 1; plus strand). Cytogenetic location: 11q12.3.
Variant type: single nucleotide variant.
Coding change: c.464A>G on transcript NM_004183.4 (MANE Select); coding-DNA position 464, A replaced by G.
Protein change: p.Gln155Arg; replaces glutamine 155 with arginine.
Molecular consequence: missense variant. On other transcripts: non-coding transcript variant (1).
Genome position (GRCh38, 1-based): chr11:61,955,934, A>G. VCF-style: chr11-61955934-A-G. GRCh37 (hg19) VCF-style: chr11-61723406-A-G.
Other names: c.284A>G, p.Gln95Arg (NM_001139443.3, NM_001300786.2, NM_001300787.2); c.146A>G, p.Gln49Arg (NM_001363591.3); c.464A>G, p.Gln155Arg (NM_001363592.2); c.-712A>G (NM_001363593.3); short protein forms Q95R, Q49R, Q155R.
Identifiers: ClinVar variation 3634172 (VCV003634172.2).